The following is an entry in ClinVar:

ClinVar aggregate classification (germline): Likely pathogenic (1 of 4 stars; one submission).

Conditions:
Finnish congenital nephrotic syndrome (NPHS1). Also called: NEPHROTIC SYNDROME, TYPE 1. Identifiers: Orphanet 839, MedGen C0403399, MONDO:0009732, OMIM 256300.

Submission:

Myriad Genetics, Inc.
Classification: Likely pathogenic for Finnish congenital nephrotic syndrome. Last evaluated: 2021-12-17. Review status: criteria provided, single submitter. Criteria: Myriad Women's Health Autosomal Recessive and X-Linked Classification Criteria (2021). Collection method: clinical testing. Allele origin: unknown.
Comment: NM_004646.3(NPHS1):c.1946delT(L649Rfs*8) is expected to be pathogenic in the context of nephrotic syndrome, NPHS1-related. This variant is predicted to lead to an abnormal or absent protein product due to the creation of a premature termination codon in NPHS1, a gene where loss-of-function variants are known to be pathogenic. Please note: this variant was assessed in the context of healthy population screening.

NM_004646.4(NPHS1):c.1946del (p.Leu649fs)

Gene: NPHS1 (NPHS1 adhesion molecule, nephrin; minus strand). Cytogenetic location: 19q13.12.
Variant type: Deletion.
Coding change: c.1946del on transcript NM_004646.4 (MANE Select); coding-DNA position 1946, one base deleted (T; older notation c.1946delT).
Protein change: p.Leu649fs; shifts the reading frame from leucine 649.
Molecular consequence: frameshift variant.
Genome position (GRCh38, 1-based): chr19:35,844,444, A deleted on the plus strand (T on the coding strand, the reverse complement: NPHS1 is on the minus strand). VCF-style (leftmost placement, unchanged base first): chr19-35844443-CA-C. GRCh37 (hg19) VCF-style: chr19-36335345-CA-C.
Other names: short protein forms L649fs.
Identifiers: ClinVar variation 1726426 (VCV001726426.2), dbSNP rs2513772078, ClinGen allele CA2580096836.